The following is an entry in ClinVar:

NM_000188.3(HK1):c.308A>G (p.Gln103Arg)

Gene: HK1 (hexokinase 1; plus strand). Cytogenetic location: 10q22.1.
Variant type: single nucleotide variant.
Coding change: c.308A>G on transcript NM_000188.3 (MANE Select); coding-DNA position 308, A replaced by G.
Protein change: p.Gln103Arg; replaces glutamine 103 with arginine.
Molecular consequence: missense variant.
Genome position (GRCh38, 1-based): chr10:69,359,978, A>G. VCF-style: chr10-69359978-A-G. GRCh37 (hg19) VCF-style: chr10-71119734-A-G.
Other names: c.320A>G, p.Gln107Arg (NM_001322364.2, NM_001358263.1, NM_033497.3 and 1 more transcripts); c.413A>G, p.Gln138Arg (NM_001322365.2); c.224A>G, p.Gln75Arg (NM_001322366.1); c.308A>G, p.Gln103Arg (NM_001322367.1); c.305A>G, p.Gln102Arg (NM_033496.3); c.272A>G, p.Gln91Arg (NM_033500.2); short protein forms Q103R, Q91R, Q102R, Q138R, Q107R, Q75R.
Identifiers: ClinVar variation 839762 (VCV000839762.9), dbSNP rs1235034990, ClinGen allele CA376910857.

ClinVar aggregate classification (germline): Uncertain significance (1 of 4 stars; one submission).

Allele frequency attached by ClinVar (database versions not stated): TOPMed below 0.00001; gnomAD 0.00001.
gnomAD v4.1: 1 of 1,614,040 alleles (0.000062%); highest among the groups gnomAD compares: Non-Finnish European, 0.000085%; no homozygotes.

Submission:

Labcorp Genetics (formerly Invitae), Labcorp
Classification: Uncertain significance. Last evaluated: 2024-05-29. Review status: criteria provided, single submitter. Criteria: Invitae Variant Classification Sherloc (09022015). Collection method: clinical testing. Allele origin: germline.
Comment: This sequence change replaces glutamine, which is neutral and polar, with arginine, which is basic and polar, at codon 103 of the HK1 protein (p.Gln103Arg). This variant is not present in population databases (gnomAD no frequency). This variant has not been reported in the literature in individuals affected with HK1-related conditions. ClinVar contains an entry for this variant (Variation ID: 839762). Advanced modeling of protein sequence and biophysical properties (such as structural, functional, and spatial information, amino acid conservation, physicochemical variation, residue mobility, and thermodynamic stability) performed at Invitae indicates that this missense variant is not expected to disrupt HK1 protein function with a negative predictive value of 80%. In summary, the available evidence is currently insufficient to determine the role of this variant in disease. Therefore, it has been classified as a Variant of Uncertain Significance.